The following is an entry in ClinVar:

NM_000341.4(SLC3A1):c.1107C>G (p.Asp369Glu)

Gene: SLC3A1 (solute carrier family 3 member 1; plus strand). Cytogenetic location: 2p21.
Variant type: single nucleotide variant.
Coding change: c.1107C>G on transcript NM_000341.4 (MANE Select); coding-DNA position 1107, C replaced by G.
Protein change: p.Asp369Glu; replaces aspartic acid 369 with glutamic acid.
Molecular consequence: missense variant.
Genome position (GRCh38, 1-based): chr2:44,301,098, C>G. VCF-style: chr2-44301098-C-G. GRCh37 (hg19) VCF-style: chr2-44528237-C-G.
Other names: short protein forms D369E.
Identifiers: ClinVar variation 1315856 (VCV001315856.2), dbSNP rs2104364478, ClinGen allele CA346681419.

ClinVar aggregate classification (germline): Uncertain significance (1 of 4 stars; one submission).

Allele frequency attached by ClinVar (database versions not stated): gnomAD exomes below 0.00001.
gnomAD v4.1: 1 of 1,613,856 alleles (0.000062%); highest among the groups gnomAD compares: Non-Finnish European, 0.000085%; no homozygotes.

Submission:

GeneDx
Classification: Uncertain significance. Last evaluated: 2021-05-28. Review status: criteria provided, single submitter. Criteria: GeneDx Variant Classification Process June 2021. Collection method: clinical testing. Allele origin: germline. Affected: yes.
Comment: Not observed at significant frequency in large population cohorts (Lek et al., 2016); In silico analysis supports that this missense variant has a deleterious effect on protein structure/function; Has not been previously published as pathogenic or benign to our knowledge; This variant is associated with the following publications: (PMID: 27535533)